The following is an entry in ClinVar:

NM_001037333.3(CYFIP2):c.2495C>A (p.Ser832Tyr)

Gene: CYFIP2 (cytoplasmic FMR1 interacting protein 2; plus strand). Cytogenetic location: 5q33.3.
Variant type: single nucleotide variant.
Coding change: c.2495C>A on transcript NM_001037333.3 (MANE Select); coding-DNA position 2495, C replaced by A.
Protein change: p.Ser832Tyr; replaces serine 832 with tyrosine.
Molecular consequence: missense variant.
Genome position (GRCh38, 1-based): chr5:157,339,166, C>A. VCF-style: chr5-157339166-C-A. GRCh37 (hg19) VCF-style: chr5-156766174-C-A.
Other names: c.2417C>A, p.Ser806Tyr (NM_001291721.2); c.2570C>A, p.Ser857Tyr (NM_001291722.2); c.2495C>A, p.Ser832Tyr (NM_014376.4); short protein forms S806Y, S832Y, S857Y.
Identifiers: ClinVar variation 2446521 (VCV002446521.1), dbSNP rs2532480641, ClinGen allele CA361972189.

ClinVar aggregate classification (germline): Uncertain significance (1 of 4 stars; one submission).

Submission:

GeneDx
Classification: Uncertain significance. Last evaluated: 2022-10-03. Review status: criteria provided, single submitter. Criteria: GeneDx Variant Classification Process June 2021. Collection method: clinical testing. Allele origin: germline. Affected: yes.
Comment: Not observed at significant frequency in large population cohorts (gnomAD); In silico analysis supports that this missense variant has a deleterious effect on protein structure/function; Has not been previously published as pathogenic or benign to our knowledge